The following is an entry in ClinVar:

ClinVar aggregate classification (germline): Uncertain significance. Review status: criteria provided, multiple submitters, no conflicts (2 of 4 stars). 3 submissions from 3 submitters: Uncertain significance (3). Last evaluated 2024-08-02.

Conditions:
Inborn genetic diseases. Identifiers: MedGen C0950123, MeSH D030342.

Allele frequency attached by ClinVar (database versions not stated): gnomAD 0.00005; gnomAD exomes 0.00006 and 0.00010; TOPMed 0.00007; ExAC 0.00009; ESP Exome Variant Server 0.00016.
gnomAD v4.1: 104 of 1,613,776 alleles (0.0064%); highest among the groups gnomAD compares: Admixed American, 0.015%; no homozygotes.

Submissions (3):

Blueprint Genetics
Classification: Uncertain significance. Last evaluated: 2024-08-02. Review status: criteria provided, single submitter. Criteria: ACMG Guidelines, 2015. Collection method: clinical testing. Allele origin: germline.

Labcorp Genetics (formerly Invitae), Labcorp
Classification: Uncertain significance. Last evaluated: 2024-07-07. Review status: criteria provided, single submitter. Criteria: Invitae Variant Classification Sherloc (09022015). Collection method: clinical testing. Allele origin: germline.
Comment: This sequence change replaces asparagine, which is neutral and polar, with serine, which is neutral and polar, at codon 1039 of the SLC24A1 protein (p.Asn1039Ser). This variant is present in population databases (rs369270117, gnomAD 0.01%). This variant has not been reported in the literature in individuals affected with SLC24A1-related conditions. ClinVar contains an entry for this variant (Variation ID: 842714). An algorithm developed to predict the effect of missense changes on protein structure and function (PolyPhen-2) suggests that this variant is likely to be disruptive. In summary, the available evidence is currently insufficient to determine the role of this variant in disease. Therefore, it has been classified as a Variant of Uncertain Significance.

Ambry Genetics
Classification: Uncertain significance for Inborn genetic diseases. Last evaluated: 2022-12-19. Review status: criteria provided, single submitter. Criteria: Ambry Variant Classification Scheme 2023. Collection method: clinical testing. Allele origin: germline.

NM_004727.3(SLC24A1):c.3116A>G (p.Asn1039Ser)

Gene: SLC24A1 (solute carrier family 24 member 1; plus strand). Cytogenetic location: 15q22.31.
Variant type: single nucleotide variant.
Coding change: c.3116A>G on transcript NM_004727.3 (MANE Select); coding-DNA position 3116, A replaced by G.
Protein change: p.Asn1039Ser; replaces asparagine 1039 with serine.
Molecular consequence: missense variant. On other transcripts: intron variant (1).
Genome position (GRCh38, 1-based): chr15:65,653,895, A>G. VCF-style: chr15-65653895-A-G. GRCh37 (hg19) VCF-style: chr15-65946233-A-G.
Other names: c.1097A>G, p.Asn366Ser (NM_001254740.2); c.3026A>G, p.Asn1009Ser (NM_001301031.1); c.3062A>G, p.Asn1021Ser (NM_001301032.1); c.2996+1087A>G (NM_001301033.2); short protein forms N366S, N1009S, N1021S, N1039S.
Identifiers: ClinVar variation 842714 (VCV000842714.7), dbSNP rs369270117, ClinGen allele CA7620323.
Genomic context (GRCh38, chr15:65,653,895, plus strand): 5'-CTGTTCCTTGGTTGCTTTTCTCTCTTATCAATGGATTACAGCCAGTTCCAGTCAGCAGCA[A>G]TGGCTTGTTTTGTGCAATTGTTTTGCTTTTTCTCATGCTTCTGTTTGTGATCTCTTCAAT-3'
Protein context (NP_004718.1, residues 1029-1049): NGLQPVPVSS[Asn1039Ser]GLFCAIVLLF